The following is an entry in ClinVar:

ClinVar aggregate classification (germline): Pathogenic (1 of 4 stars; one submission).

Conditions:
Familial thoracic aortic aneurysm and aortic dissection (TAAD). Also called: Thoracic aortic aneurysms and dissections. Identifiers: Orphanet 91387, MedGen C4707243, MONDO:0019625.
Marfan syndrome (MFS). Also called: FBN1-Related Marfan Syndrome; Marfan's syndrome; MARFAN SYNDROME, TYPE I; Marfan syndrome type 1; Marfan syndrome, classic. Identifiers: Orphanet 284963, Orphanet 558, MedGen C0024796, MONDO:0007947, OMIM 154700.

Submission:

Labcorp Genetics (formerly Invitae), Labcorp
Classification: Pathogenic for Marfan syndrome; Familial thoracic aortic aneurysm and aortic dissection. Last evaluated: 2023-07-07. Review status: criteria provided, single submitter. Criteria: Invitae Variant Classification Sherloc (09022015). Collection method: clinical testing. Allele origin: germline.
Comment: For these reasons, this variant has been classified as Pathogenic. ClinVar contains an entry for this variant (Variation ID: 844121). This variant has not been reported in the literature in individuals affected with FBN1-related conditions. This variant is not present in population databases (gnomAD no frequency). This sequence change creates a premature translational stop signal (p.Gly302Valfs*28) in the FBN1 gene. It is expected to result in an absent or disrupted protein product. Loss-of-function variants in FBN1 are known to be pathogenic (PMID: 17657824, 19293843).

Literature cited by the submitters: PubMed 17657824; PubMed 19293843.

NM_000138.5(FBN1):c.905del (p.Gly302fs)

Gene: FBN1 (fibrillin 1; minus strand). Cytogenetic location: 15q21.1.
Variant type: Deletion.
Coding change: c.905del on transcript NM_000138.5 (MANE Select); coding-DNA position 905, one base deleted (G; older notation c.905delG).
Protein change: p.Gly302fs; shifts the reading frame from glycine 302.
Molecular consequence: frameshift variant.
Genome position (GRCh38, 1-based): chr15:48,526,213, C deleted on the plus strand (G on the coding strand, the reverse complement: FBN1 is on the minus strand); the first of 5 consecutive C bases (chr15:48,526,213-48,526,217); deleting any one gives the same sequence. VCF-style (leftmost placement, unchanged base first): chr15-48526212-AC-A. GRCh37 (hg19) VCF-style: chr15-48818409-AC-A.
Other names: short protein forms G302fs.
Identifiers: ClinVar variation 844121 (VCV000844121.7), dbSNP rs2043913021, ClinGen allele CA916082425.
Genomic context (GRCh38, chr15:48,526,212, plus strand): 5'-AGAGGTGTAAAAACCAGGGGGACATTTGCAAAAGTAACTGCTGACTGTGTTTGTACATTC[AC>A]CCCCTTCACAGATTCCAGGAATGGTGCTGCATTCATCAATATCTGGAATATAAAAAAAAG-3'